The following is an entry in ClinVar:

ClinVar aggregate classification (germline): Uncertain significance. Review status: criteria provided, multiple submitters, no conflicts (2 of 4 stars). 2 submissions from 2 submitters: Uncertain significance (2). Last evaluated 2024-08-12.

Conditions:
Senior-Loken syndrome 8 (SLSN8). Identifiers: Orphanet 3156, MedGen C4225376, MONDO:0014579, OMIM 616307.
Asphyxiating thoracic dystrophy 5 (SRTD5). Also called: SHORT-RIB THORACIC DYSPLASIA 5 WITH OR WITHOUT POLYDACTYLY; SHORT-RIB THORACIC DYSPLASIA 5 WITHOUT POLYDACTYLY. Identifiers: Orphanet 474, MedGen C3280598, MONDO:0013717, OMIM 614376.

gnomAD v4.1: 23 of 1,611,516 alleles (0.0014%); highest among the groups gnomAD compares: African/African-American, 0.0027%; no homozygotes.

Submissions (2):

Blueprint Genetics
Classification: Uncertain significance. Last evaluated: 2024-08-12. Review status: criteria provided, single submitter. Criteria: ACMG Guidelines, 2015. Collection method: clinical testing. Allele origin: germline.

Labcorp Genetics (formerly Invitae), Labcorp
Classification: Uncertain significance for Senior-Loken syndrome 8; Asphyxiating thoracic dystrophy 5. Last evaluated: 2023-11-27. Review status: criteria provided, single submitter. Criteria: Invitae Variant Classification Sherloc (09022015). Collection method: clinical testing. Allele origin: germline.
Comment: This sequence change creates a premature translational stop signal (p.Arg1337*) in the WDR19 gene. While this is not anticipated to result in nonsense mediated decay, it is expected to disrupt the last 6 amino acid(s) of the WDR19 protein. This variant is present in population databases (rs367721770, gnomAD 0.007%). This variant has not been reported in the literature in individuals affected with WDR19-related conditions. ClinVar contains an entry for this variant (Variation ID: 2147604). Experimental studies and prediction algorithms are not available or were not evaluated, and the functional significance of this variant is currently unknown. In summary, the available evidence is currently insufficient to determine the role of this variant in disease. Therefore, it has been classified as a Variant of Uncertain Significance.

NM_025132.4(WDR19):c.4009C>T (p.Arg1337Ter)

Gene: WDR19 (WD repeat domain 19; plus strand). Cytogenetic location: 4p14.
Variant type: single nucleotide variant.
Coding change: c.4009C>T on transcript NM_025132.4 (MANE Select); coding-DNA position 4009, C replaced by T.
Protein change: p.Arg1337Ter; replaces arginine 1337 with a stop codon.
Molecular consequence: nonsense.
Genome position (GRCh38, 1-based): chr4:39,278,630, C>T. VCF-style: chr4-39278630-C-T. GRCh37 (hg19) VCF-style: chr4-39280250-C-T.
Other names: c.3529C>T, p.Arg1177Ter (NM_001317924.2); short protein forms R1177*, R1337*.
Identifiers: ClinVar variation 2147604 (VCV002147604.5), dbSNP rs367721770, ClinGen allele CA2892552.